The following is an entry in ClinVar:

ClinVar aggregate classification (germline): Uncertain significance. Review status: criteria provided, multiple submitters, no conflicts (2 of 4 stars). 3 submissions from 3 submitters: Uncertain significance (3). Last evaluated 2022-10-28.

Conditions:
Hereditary nonpolyposis colorectal neoplasms. Identifiers: MedGen C0009405, MeSH D003123.
Hereditary cancer-predisposing syndrome. Also called: Neoplastic Syndromes, Hereditary; Tumor predisposition; Hereditary Cancer Syndrome; Hereditary neoplastic syndrome. Identifiers: Orphanet 140162, MedGen C0027672, MeSH D009386, MONDO:0015356.

Submissions (3):

Labcorp Genetics (formerly Invitae), Labcorp
Classification: Uncertain significance for Hereditary nonpolyposis colorectal neoplasms. Last evaluated: 2022-10-28. Review status: criteria provided, single submitter. Criteria: Invitae Variant Classification Sherloc (09022015). Collection method: clinical testing. Allele origin: germline.
Comment: In summary, the available evidence is currently insufficient to determine the role of this variant in disease. Therefore, it has been classified as a Variant of Uncertain Significance. Advanced modeling of protein sequence and biophysical properties (such as structural, functional, and spatial information, amino acid conservation, physicochemical variation, residue mobility, and thermodynamic stability) performed at Invitae indicates that this missense variant is not expected to disrupt MSH6 protein function. ClinVar contains an entry for this variant (Variation ID: 231150). This variant has not been reported in the literature in individuals affected with MSH6-related conditions. This variant is not present in population databases (gnomAD no frequency). This sequence change replaces serine, which is neutral and polar, with tyrosine, which is neutral and polar, at codon 41 of the MSH6 protein (p.Ser41Tyr).

Color Diagnostics, LLC DBA Color Health
Classification: Uncertain significance for Hereditary cancer-predisposing syndrome. Last evaluated: 2018-12-29. Review status: criteria provided, single submitter. Criteria: ACMG Guidelines, 2015. Collection method: clinical testing. Allele origin: germline.

Ambry Genetics
Classification: Uncertain significance for Hereditary cancer-predisposing syndrome. Last evaluated: 2015-04-02. Review status: criteria provided, single submitter. Criteria: Ambry Variant Classification Scheme 2023. Collection method: clinical testing. Allele origin: germline.
Comment: The p.S41Y variant (also known as c.122C>A), located in coding exon 1 of the MSH6 gene, results from a C to A substitution at nucleotide position 122. The serine at codon 41 is replaced by tyrosine, an amino acid with dissimilar properties. This variant was not reported in population based cohorts in the following databases: Database of Single Nucleotide Polymorphisms (dbSNP), NHLBI Exome Sequencing Project (ESP), and 1000 Genomes Project. In the ESP, this variant was not observed in 5853 samples (11706 alleles) with coverage at this position. To date, this alteration has been detected with an allele frequency of approximately 0.002% (greater than 42000 alleles tested) in our clinical cohort. This amino acid position is well conserved in available vertebrate species. This alteration is predicted to be possibly damaging and tolerated by PolyPhen and SIFT in silico analyses, respectively. In addition, the CoDP in silico tool predicts this alteration to have minor impact on molecular function, with a score of 0.023 (Terui H et al. J. Biomed. Sci. 2013;20:25). Since supporting evidence is limited at this time, the clinical significance of p.S41Y remains unclear.

NM_000179.3(MSH6):c.122C>A (p.Ser41Tyr)

Gene: MSH6 (mutS homolog 6; plus strand). Cytogenetic location: 2p16.3.
Variant type: single nucleotide variant.
Coding change: c.122C>A on transcript NM_000179.3 (MANE Select); coding-DNA position 122, C replaced by A.
Protein change: p.Ser41Tyr; replaces serine 41 with tyrosine.
Molecular consequence: missense variant. On other transcripts: 5 prime UTR variant (1).
Genome position (GRCh38, 1-based): chr2:47,783,355, C>A. VCF-style: chr2-47783355-C-A. GRCh37 (hg19) VCF-style: chr2-48010494-C-A.
Other names: c.122C>A, p.Ser41Tyr (NM_001281492.2); c.-615C>A (NM_001281493.2); short protein forms S41Y.
Identifiers: ClinVar variation 231150 (VCV000231150.13), dbSNP rs876658985, ClinGen allele CA10578022.